The following is an entry in ClinVar:

ClinVar aggregate classification (germline): Uncertain significance (1 of 4 stars; one submission).

Conditions:
Ornithine aminotransferase deficiency (GACR). Also called: HYPERORNITHINEMIA WITH GYRATE ATROPHY OF CHOROID AND RETINA; Ornithine ketoacid aminotransferase deficiency; Gyrate atrophy; Gyrate atrophy of choroid and retina; Girate atrophy of the retina; OAT DEFICIENCY. Identifiers: Orphanet 414, MedGen C0018425, MONDO:0009796, OMIM 258870.

Submission:

Labcorp Genetics (formerly Invitae), Labcorp
Classification: Uncertain significance for Ornithine aminotransferase deficiency. Last evaluated: 2022-04-04. Review status: criteria provided, single submitter. Criteria: Invitae Variant Classification Sherloc (09022015). Collection method: clinical testing. Allele origin: germline.
Comment: This sequence change replaces aspartic acid, which is acidic and polar, with histidine, which is basic and polar, at codon 387 of the OAT protein (p.Asp387His). This variant also falls at the last nucleotide of exon 9, which is part of the consensus splice site for this exon. This variant is not present in population databases (gnomAD no frequency). This variant has not been reported in the literature in individuals affected with OAT-related conditions. Algorithms developed to predict the effect of missense changes on protein structure and function (SIFT, PolyPhen-2, Align-GVGD) all suggest that this variant is likely to be tolerated. Variants that disrupt the consensus splice site are a relatively common cause of aberrant splicing (PMID: 17576681, 9536098). Algorithms developed to predict the effect of sequence changes on RNA splicing suggest that this variant may create or strengthen a splice site. In summary, the available evidence is currently insufficient to determine the role of this variant in disease. Therefore, it has been classified as a Variant of Uncertain Significance.

Literature cited by the submitters: PubMed 17576681; PubMed 9536098.

NM_000274.4(OAT):c.1159G>C (p.Asp387His)

Gene: OAT (ornithine aminotransferase; minus strand). Cytogenetic location: 10q26.13.
Variant type: single nucleotide variant.
Coding change: c.1159G>C on transcript NM_000274.4 (MANE Select); coding-DNA position 1159, G replaced by C.
Protein change: p.Asp387His; replaces aspartic acid 387 with histidine.
Molecular consequence: missense variant.
Genome position (GRCh38, 1-based): chr10:124,400,840, C>G on the plus strand (G>C on the coding strand, the complement: OAT is on the minus strand). VCF-style: chr10-124400840-C-G. GRCh37 (hg19) VCF-style: chr10-126089409-C-G.
Other names: c.1159G>C, p.Asp387His (NM_001322965.2, NM_001322966.2, NM_001322967.2 and 3 more transcripts); c.838G>C, p.Asp280His (NM_001322971.2); c.559G>C, p.Asp187His (NM_001322974.2); c.745G>C, p.Asp249His (NM_001171814.2); short protein forms D387H, D187H, D280H, D249H.
Identifiers: ClinVar variation 2121626 (VCV002121626.4), dbSNP rs2494443648, ClinGen allele CA378633497.